The following is an entry in ClinVar:

ClinVar aggregate classification (germline): Pathogenic/Likely pathogenic. Review status: criteria provided, multiple submitters, no conflicts (2 of 4 stars). 5 submissions from 5 submitters: Pathogenic (3); Likely pathogenic (1). 1 of the submissions does not count toward it. Last evaluated 2024-12-19.

Conditions:
Multiple congenital anomalies-hypotonia-seizures syndrome 2 (MCAHS2). Also called: GLYCOSYLPHOSPHATIDYLINOSITOL BIOSYNTHESIS DEFECT 4; EPILEPTIC ENCEPHALOPATHY, EARLY INFANTILE, 20. Identifiers: Orphanet 300496, MedGen C3275508, MONDO:0010466, OMIM 300868.
Paroxysmal nocturnal hemoglobinuria 1 (PNH1). Identifiers: Orphanet 447, MedGen C3806670, MONDO:0010438, OMIM 300818.

Submissions (5):

Genomic Medicine Center of Excellence, King Faisal Specialist Hospital and Research Centre
Classification: Pathogenic for Paroxysmal nocturnal hemoglobinuria 1. Last evaluated: 2024-12-19. Review status: criteria provided, single submitter. Criteria: ACMG Guidelines, 2015. Collection method: clinical testing. Allele origin: germline.

GeneDx
Classification: Pathogenic. Last evaluated: 2023-03-24. Review status: criteria provided, single submitter. Criteria: GeneDx Variant Classification Process June 2021. Collection method: clinical testing. Allele origin: germline. Affected: yes.
Comment: Not observed in large population cohorts (gnomAD); In silico analysis supports that this missense variant has a deleterious effect on protein structure/function; This variant is associated with the following publications: (PMID: 24706016, 26923721, 32452540, 31175295, 29502866, 29656098)

Illumina Laboratory Services, Illumina
Classification: Likely pathogenic for Multiple congenital anomalies-hypotonia-seizures syndrome 2. Last evaluated: 2019-01-16. Review status: criteria provided, single submitter. Criteria: ICSLVariantClassificationCriteria RUGD 01 April 2020. Collection method: clinical testing. Allele origin: unknown.
Comment: The p.Arg119Trp variant is absent from the Genome Aggregation Database in a region of good sequence coverage so the variant is presumed to be rare. Functional impact of the variant was assessed by examining the surface expression of three different GPI-anchored proteins, FLAER, CD24 and CD16, in patient granulocytes by flow cytometry. The authors found decreased expression of at least two proteins, CD24 and CD16, as compared to normal controls (Kato et al. 2014). In addition, several in-silico tools predict the Arg119Trp change to be deleterious. Based on the collective evidence and application of the ACMG criteria, the p.Arg119Trp variant is classified as likely pathogenic for multiple congenital anomalies-hypotonia-seizures syndrome 2.

Institute of Human Genetics Munich, TUM University Hospital
Classification: Pathogenic for Multiple congenital anomalies-hypotonia-seizures syndrome 2. Last evaluated: 2018-10-12. Review status: criteria provided, single submitter. Criteria: Classification criteria August 2017. Collection method: clinical testing. Allele origin: maternal. Inheritance: X-linked inheritance. Affected: yes. Observed: 1 hemizygote.

OMIM
Classification: Pathogenic for MULTIPLE CONGENITAL ANOMALIES-HYPOTONIA-SEIZURES SYNDROME 2. Last evaluated: 2014-05-06. Review status: no assertion criteria provided. Collection method: literature only. Allele origin: germline. Not counted in ClinVar's aggregate classification.

Literature cited by the submitters: PubMed 24706016 (cited by Illumina Laboratory Services, Illumina and OMIM); PubMed 29656098 (cited by Illumina Laboratory Services, Illumina).

NM_002641.4(PIGA):c.355C>T (p.Arg119Trp)

Gene: PIGA (phosphatidylinositol glycan anchor biosynthesis class A; minus strand). Cytogenetic location: Xp22.2.
Variant type: single nucleotide variant.
Coding change: c.355C>T on transcript NM_002641.4 (MANE Select); coding-DNA position 355, C replaced by T.
Protein change: p.Arg119Trp; replaces arginine 119 with tryptophan.
Molecular consequence: missense variant. On other transcripts: intron variant (1).
Genome position (GRCh38, 1-based): chrX:15,331,576, G>A on the plus strand (C>T on the coding strand, the complement: PIGA is on the minus strand). VCF-style: chrX-15331576-G-A. GRCh37 (hg19) VCF-style: chrX-15349698-G-A.
Other names: c.13+3925C>T (NM_020473.3); short protein forms R119W.
Identifiers: ClinVar variation 132814 (VCV000132814.14), dbSNP rs587777396, ClinGen allele CA156219.